The following is an entry in ClinVar:

NM_001134363.3(RBM20):c.1738G>A (p.Val580Met)

Gene: RBM20 (RNA binding motif protein 20; plus strand). Cytogenetic location: 10q25.2.
Variant type: single nucleotide variant.
Coding change: c.1738G>A on transcript NM_001134363.3 (MANE Select); coding-DNA position 1738, G replaced by A.
Protein change: p.Val580Met; replaces valine 580 with methionine.
Molecular consequence: missense variant.
Genome position (GRCh38, 1-based): chr10:110,799,856, G>A. VCF-style: chr10-110799856-G-A. GRCh37 (hg19) VCF-style: chr10-112559614-G-A.
Other names: short protein forms V580M.
Identifiers: ClinVar variation 1779129 (VCV001779129.3), dbSNP rs1242569653, ClinGen allele CA378390780.

ClinVar aggregate classification (germline): Uncertain significance. Review status: criteria provided, multiple submitters, no conflicts (2 of 4 stars). 2 submissions from 2 submitters: Uncertain significance (2). Last evaluated 2025-11-23.

Conditions:
Dilated cardiomyopathy 1DD (CMD1DD). Identifiers: Orphanet 154, MedGen C2750995, MONDO:0013168, OMIM 613172.
Cardiovascular phenotype. Identifiers: MedGen CN230736.

Allele frequency attached by ClinVar (database versions not stated): TOPMed below 0.00001; gnomAD 0.00001.

Submissions (2):

Labcorp Genetics (formerly Invitae), Labcorp
Classification: Uncertain significance for Dilated cardiomyopathy 1DD. Last evaluated: 2025-11-23. Review status: criteria provided, single submitter. Criteria: Invitae Variant Classification Sherloc (09022015). Collection method: clinical testing. Allele origin: germline.
Comment: This sequence change replaces valine, which is neutral and non-polar, with methionine, which is neutral and non-polar, at codon 580 of the RBM20 protein (p.Val580Met). This variant is not present in population databases (gnomAD no frequency). This variant has not been reported in the literature in individuals affected with RBM20-related conditions. ClinVar contains an entry for this variant (Variation ID: 1779129). Invitae Evidence Modeling of protein sequence and biophysical properties (such as structural, functional, and spatial information, amino acid conservation, physicochemical variation, residue mobility, and thermodynamic stability) indicates that this missense variant is not expected to disrupt RBM20 protein function with a negative predictive value of 95%. In summary, the available evidence is currently insufficient to determine the role of this variant in disease. Therefore, it has been classified as a Variant of Uncertain Significance.

Ambry Genetics
Classification: Uncertain significance for Cardiovascular phenotype. Last evaluated: 2019-06-17. Review status: criteria provided, single submitter. Criteria: Ambry Variant Classification Scheme 2023. Collection method: clinical testing. Allele origin: germline.
Comment: The p.V580M variant (also known as c.1738G>A), located in coding exon 7 of the RBM20 gene, results from a G to A substitution at nucleotide position 1738. The valine at codon 580 is replaced by methionine, an amino acid with highly similar properties. This amino acid position is poorly conserved in available vertebrate species. In addition, this alteration is predicted to be tolerated by in silico analysis. Since supporting evidence is limited at this time, the clinical significance of this alteration remains unclear.